The following is an entry in ClinVar:

ClinVar aggregate classification (germline): Uncertain significance (1 of 4 stars; one submission).

Conditions:
Werner syndrome (WRN). Identifiers: Orphanet 902, MedGen C0043119, MONDO:0010196, OMIM 277700.

Submission:

Labcorp Genetics (formerly Invitae), Labcorp
Classification: Uncertain significance for Werner syndrome. Last evaluated: 2022-01-27. Review status: criteria provided, single submitter. Criteria: Invitae Variant Classification Sherloc (09022015). Collection method: clinical testing. Allele origin: germline.
Comment: This sequence change replaces serine, which is neutral and polar, with phenylalanine, which is neutral and non-polar, at codon 1119 of the WRN protein (p.Ser1119Phe). This variant is not present in population databases (gnomAD no frequency). This variant has not been reported in the literature in individuals affected with WRN-related conditions. ClinVar contains an entry for this variant (Variation ID: 971875). Algorithms developed to predict the effect of missense changes on protein structure and function are either unavailable or do not agree on the potential impact of this missense change (SIFT: "Not Available"; PolyPhen-2: "Benign"; Align-GVGD: "Not Available"). In summary, the available evidence is currently insufficient to determine the role of this variant in disease. Therefore, it has been classified as a Variant of Uncertain Significance.

NM_000553.6(WRN):c.3356C>T (p.Ser1119Phe)

Gene: WRN (WRN RecQ like helicase; plus strand). Cytogenetic location: 8p12.
Variant type: single nucleotide variant.
Coding change: c.3356C>T on transcript NM_000553.6 (MANE Select); coding-DNA position 3356, C replaced by T.
Protein change: p.Ser1119Phe; replaces serine 1119 with phenylalanine.
Molecular consequence: missense variant.
Genome position (GRCh38, 1-based): chr8:31,143,596, C>T. VCF-style: chr8-31143596-C-T. GRCh37 (hg19) VCF-style: chr8-31001112-C-T.
Other names: short protein forms S1119F.
Identifiers: ClinVar variation 971875 (VCV000971875.7), dbSNP rs1802746556, ClinGen allele CA370924132.
Genomic context (GRCh38, chr8:31,143,596, plus strand): 5'-ATGTTTAAATGCAGTCTAACTTGGAGAAGTTATATTCTTATAAACCATGTGATAAGATTT[C>T]TTCTGGGAGTAACATTTCTAAAAAAAGGTACAGAGTTCCATATTTCTATGTTCTATACTT-3'
Protein context (NP_000544.2, residues 1109-1129): LYSYKPCDKI[Ser1119Phe]SGSNISKKSI